The following is an entry in ClinVar:

ClinVar aggregate classification (germline): Pathogenic/Likely pathogenic. Review status: criteria provided, multiple submitters, no conflicts (2 of 4 stars). 2 submissions from 2 submitters: Pathogenic (1); Likely pathogenic (1). Last evaluated 2025-10-29.

Conditions:
RP1-related disorder. Also called: RP1-related condition.

Submissions (2):

Labcorp Genetics (formerly Invitae), Labcorp
Classification: Pathogenic. Last evaluated: 2025-10-29. Review status: criteria provided, single submitter. Criteria: Invitae Variant Classification Sherloc (09022015). Collection method: clinical testing. Allele origin: germline.
Comment: This sequence change creates a premature translational stop signal (p.Thr1534Asnfs*10) in the RP1 gene. While this is not anticipated to result in nonsense mediated decay, it is expected to disrupt the last 623 amino acid(s) of the RP1 protein. This variant is not present in population databases (gnomAD no frequency). This variant has not been reported in the literature in individuals affected with RP1-related conditions. This variant disrupts a region of the RP1 protein in which other variant(s) (p.Ile2061Serfs*12) have been determined to be pathogenic (PMID: 11527933, 19933189, 29425069, 30027431, 33681214). This suggests that this is a clinically significant region of the protein, and that variants that disrupt it are likely to be disease-causing. For these reasons, this variant has been classified as Pathogenic.

Blueprint Genetics
Classification: Likely pathogenic for RP1-related disorders. Last evaluated: 2023-04-18. Review status: criteria provided, single submitter. Criteria: ACMG Guidelines, 2015. Collection method: clinical testing. Allele origin: germline. Affected: yes. Observed: 2 variant alleles.

Literature cited by the submitters: PubMed 11527933 (cited by Labcorp Genetics (formerly Invitae), Labcorp); PubMed 19933189 (cited by Labcorp Genetics (formerly Invitae), Labcorp); PubMed 29425069 (cited by Labcorp Genetics (formerly Invitae), Labcorp); PubMed 30027431 (cited by Labcorp Genetics (formerly Invitae), Labcorp); PubMed 33681214 (cited by Labcorp Genetics (formerly Invitae), Labcorp).

NM_006269.2(RP1):c.4600dup (p.Thr1534fs)

Gene: RP1 (RP1 axonemal microtubule associated; plus strand). Cytogenetic location: 8q12.1.
Variant type: Duplication.
Coding change: c.4600dup on transcript NM_006269.2 (MANE Select); coding-DNA position 4600, one base duplicated (A; older notation c.4600dupA).
Protein change: p.Thr1534fs; shifts the reading frame from threonine 1534.
Molecular consequence: frameshift variant. On other transcripts: intron variant (1).
Genome position (GRCh38, 1-based): chr8:54,628,482, A duplicated; the last of 2 consecutive A bases (chr8:54,628,481-54,628,482); duplicating either gives the same sequence. VCF-style (leftmost placement, unchanged base first): chr8-54628480-C-CA. GRCh37 (hg19) VCF-style: chr8-55541040-C-CA.
Other names: c.787+6194dup (NM_001375654.1); short protein forms T1534fs.
Identifiers: ClinVar variation 4730202 (VCV004730202.2).
Genomic context (GRCh38, chr8:54,628,480, plus strand): 5'-ATATTATGGAAGAAAAAAGAATGAACGGTATAATTTATGAAATAATCAGTAAGAGGCTGG[C>CA]AACACCACCATCTTTAGATTTTTGCTATGATTCTAAGCAAAATAGTGAAAAGGAGACCAA-3'